The following is an entry in ClinVar:

ClinVar aggregate classification (germline): Conflicting classifications of pathogenicity. Review status: criteria provided, conflicting classifications (1 of 4 stars). 9 submissions from 9 submitters: Uncertain significance (1); Benign (2); Likely benign (5). 1 of the submissions does not count toward it. Last evaluated 2026-07-01.

Conditions:
LRBA-related disorder. Also called: LRBA-related condition.
Combined immunodeficiency due to LRBA deficiency. Also called: Common variable immunodeficiency 8, with autoimmunity. Identifiers: Orphanet 445018, MedGen C3553512, MONDO:0013863, OMIM 614700.

Allele frequency attached by ClinVar (database versions not stated): TOPMed 0.00487; ESP Exome Variant Server 0.00677; 1000 Genomes Project 30x 0.00187; 1000 Genomes Project 0.00200; gnomAD exomes 0.00424; gnomAD 0.00449 and 0.00470; ExAC 0.00463.
gnomAD v4.1: 11,260 of 1,612,060 alleles (0.7%); highest among the groups gnomAD compares: Non-Finnish European, 0.9%; 52 homozygotes.

Submissions (9):

CeGaT Center for Human Genetics Tuebingen
Classification: Likely benign. Last evaluated: 2026-07-01. Review status: criteria provided, single submitter. Criteria: CeGaT Center For Human Genetics Tuebingen Variant Classification Criteria Version 2. Collection method: clinical testing. Allele origin: germline. Affected: yes. Observed: 41 variant alleles.
Comment: LRBA: BP4, BS2

Labcorp Genetics (formerly Invitae), Labcorp
Classification: Benign for Combined immunodeficiency due to LRBA deficiency. Last evaluated: 2026-02-02. Review status: criteria provided, single submitter. Criteria: Invitae Variant Classification Sherloc (09022015). Collection method: clinical testing. Allele origin: germline.

ARUP Laboratories, Molecular Genetics and Genomics, ARUP Laboratories
Classification: Benign for Combined immunodeficiency due to LRBA deficiency. Last evaluated: 2025-06-18. Review status: criteria provided, single submitter. Criteria: ARUP Molecular Germline Variant Investigation Process 2024. Collection method: clinical testing. Allele origin: germline.

Center for Genomics, Ann and Robert H. Lurie Children's Hospital of Chicago
Classification: Likely benign for Combined immunodeficiency due to LRBA deficiency. Last evaluated: 2022-10-04. Review status: criteria provided, single submitter. Criteria: ACMG Guidelines, 2015. Collection method: clinical testing. Allele origin: germline.
Comment: This variant has been reported in the literature in 1 individual with panuveitis (Li 2021 PMID:32707200). This variant is present in the Genome Aggregation Database (Highest reported MAF 0.7% (543/67998). This variant is present in ClinVar, with several labs classifying this variant as Likely Benign or Benign (Variation ID:439869). Evolutionary conservation and computational predictive tools suggest that this variant may not impact the protein. In summary, data on this variant suggests that this variant does not cause disease but requires further evidence. Therefore, this variant is classified as likely benign.

Genetics and Molecular Pathology, SA Pathology
Classification: Likely benign for Combined immunodeficiency due to LRBA deficiency. Last evaluated: 2020-08-18. Review status: criteria provided, single submitter. Criteria: ACMG Guidelines, 2015. Collection method: clinical testing. Allele origin: germline. Inheritance: Autosomal recessive inheritance. Affected: yes.
Comment: BS1, BP4

Genetic Services Laboratory, University of Chicago
Classification: Likely benign. Last evaluated: 2020-03-02. Review status: criteria provided, single submitter. Criteria: ACMG Guidelines, 2015. Collection method: clinical testing. Allele origin: germline. Affected: no.

Mayo Clinic Laboratories, Mayo Clinic
Classification: Uncertain significance for Combined immunodeficiency due to LRBA deficiency. Last evaluated: 2017-11-15. Review status: criteria provided, single submitter. Criteria: ACMG Guidelines, 2015. Collection method: clinical testing. Allele origin: paternal.

Eurofins Ntd Llc (ga)
Classification: Likely benign. Last evaluated: 2017-06-22. Review status: criteria provided, single submitter. Criteria: EGL Classification Definitions 2015. Collection method: clinical testing. Allele origin: germline. Observed: 1 variant allele, 1 heterozygote.

PreventionGenetics, part of Exact Sciences
Classification: Benign for LRBA-related condition. Last evaluated: 2019-05-10. Review status: no assertion criteria provided. Collection method: clinical testing. Allele origin: germline. Not counted in ClinVar's aggregate classification.
Comment: This variant is classified as benign based on ACMG/AMP sequence variant interpretation guidelines (Richards et al. 2015 PMID: 25741868, with internal and published modifications).

NM_001364905.1(LRBA):c.7564A>C (p.Thr2522Pro)

Gene: LRBA (LPS responsive beige-like anchor protein; minus strand). Cytogenetic location: 4q31.3.
Variant type: single nucleotide variant.
Coding change: c.7564A>C on transcript NM_001364905.1 (MANE Select); coding-DNA position 7564, A replaced by C.
Protein change: p.Thr2522Pro; replaces threonine 2522 with proline.
Molecular consequence: missense variant.
Genome position (GRCh38, 1-based): chr4:150,321,257, T>G on the plus strand (A>C on the coding strand, the complement: LRBA is on the minus strand). VCF-style: chr4-150321257-T-G. GRCh37 (hg19) VCF-style: chr4-151242409-T-G.
Other names: c.7564A>C, p.Thr2522Pro (NM_001199282.3); c.7579A>C, p.Thr2527Pro (NM_001367550.1); c.7597A>C, p.Thr2533Pro (NM_006726.5); short protein forms T2533P, T2527P, T2522P.
Identifiers: ClinVar variation 439869 (VCV000439869.74), dbSNP rs62346982, ClinGen allele CA3101609.